The following is an entry in ClinVar:

ClinVar aggregate classification (germline): Uncertain significance. Review status: criteria provided, multiple submitters, no conflicts (2 of 4 stars). 2 submissions from 2 submitters: Uncertain significance (2). Last evaluated 2025-08-02.

Conditions:
Hereditary cancer-predisposing syndrome. Also called: Neoplastic Syndromes, Hereditary; Hereditary neoplastic syndrome; Tumor predisposition; Hereditary Cancer Syndrome. Identifiers: Orphanet 140162, MedGen C0027672, MeSH D009386, MONDO:0015356.
Tuberous sclerosis 2 (TSC2). Identifiers: Orphanet 805, MedGen C1860707, MONDO:0013199, OMIM 613254.

Submissions (2):

Labcorp Genetics (formerly Invitae), Labcorp
Classification: Uncertain significance for Tuberous sclerosis 2. Last evaluated: 2025-08-02. Review status: criteria provided, single submitter. Criteria: Invitae Variant Classification Sherloc (09022015). Collection method: clinical testing. Allele origin: germline.
Comment: This sequence change falls in intron 28 of the TSC2 gene. It does not directly change the encoded amino acid sequence of the TSC2 protein. It affects a nucleotide within the consensus splice site. This variant is not present in population databases (gnomAD no frequency). This variant has not been reported in the literature in individuals affected with TSC2-related conditions. ClinVar contains an entry for this variant (Variation ID: 663538). Variants that disrupt the consensus splice site are a relatively common cause of aberrant splicing (PMID: 17576681, 9536098). Algorithms developed to predict the effect of sequence changes on RNA splicing suggest that this variant is not likely to affect RNA splicing. In summary, the available evidence is currently insufficient to determine the role of this variant in disease. Therefore, it has been classified as a Variant of Uncertain Significance.

Ambry Genetics
Classification: Uncertain significance for Hereditary cancer-predisposing syndrome. Last evaluated: 2025-04-15. Review status: criteria provided, single submitter. Criteria: Ambry Variant Classification Scheme 2023. Collection method: clinical testing. Allele origin: germline.
Comment: The c.3284+5C>G intronic variant results from a C to G substitution 5 nucleotides after coding exon 27 in the TSC2 gene. This nucleotide position is not well conserved in available vertebrate species. In silico splice site analysis predicts that this alteration will not have any significant effect on splicing. Based on the available evidence, the clinical significance of this variant remains unclear.

Literature cited by the submitters: PubMed 17576681 (cited by Labcorp Genetics (formerly Invitae), Labcorp); PubMed 9536098 (cited by Labcorp Genetics (formerly Invitae), Labcorp).

NM_000548.5(TSC2):c.3284+5C>G

Gene: TSC2 (TSC complex subunit 2; plus strand). Cytogenetic location: 16p13.3.
Variant type: single nucleotide variant.
Coding change: c.3284+5C>G on transcript NM_000548.5 (MANE Select); 5 bases into the intron after coding-DNA position 3284, C replaced by G.
Molecular consequence: intron variant.
Genome position (GRCh38, 1-based): chr16:2,079,433, C>G. VCF-style: chr16-2079433-C-G. GRCh37 (hg19) VCF-style: chr16-2129434-C-G.
Other names: c.3284+5C>G (NM_001114382.3); c.3155+5C>G (NM_021055.3, NM_001370405.1, NM_001363528.2); c.3152+5C>G (NM_001370404.1, NM_001077183.3); c.3044+5C>G (NM_001318827.2); c.2552+5C>G (NM_001318831.2); c.3008+5C>G (NM_001318829.2); c.3185+5C>G (NM_001318832.2).
Identifiers: ClinVar variation 663538 (VCV000663538.9), dbSNP rs1596384620, ClinGen allele CA915946293.